The following is an entry in ClinVar:

ClinVar aggregate classification (germline): Uncertain significance. Review status: criteria provided, multiple submitters, no conflicts (2 of 4 stars). 2 submissions from 2 submitters: Uncertain significance (2). Last evaluated 2025-10-15.

gnomAD v4.1: 19 of 1,613,800 alleles (0.0012%); highest among the groups gnomAD compares: East Asian, 0.013%; no homozygotes.

Submissions (2):

Ambry Genetics
Classification: Uncertain significance. Last evaluated: 2025-10-15. Review status: criteria provided, single submitter. Criteria: Ambry Variant Classification Scheme 2023. Collection method: clinical testing. Allele origin: germline.

Labcorp Genetics (formerly Invitae), Labcorp
Classification: Uncertain significance. Last evaluated: 2024-04-05. Review status: criteria provided, single submitter. Criteria: Invitae Variant Classification Sherloc (09022015). Collection method: clinical testing. Allele origin: germline.
Comment: This sequence change replaces isoleucine, which is neutral and non-polar, with threonine, which is neutral and polar, at codon 303 of the MICAL1 protein (p.Ile303Thr). This variant is present in population databases (rs747394101, gnomAD 0.04%). This variant has not been reported in the literature in individuals affected with MICAL1-related conditions. An algorithm developed to predict the effect of missense changes on protein structure and function (PolyPhen-2) suggests that this variant is likely to be disruptive. In summary, the available evidence is currently insufficient to determine the role of this variant in disease. Therefore, it has been classified as a Variant of Uncertain Significance.

NM_022765.4(MICAL1):c.851T>C (p.Ile284Thr)

Gene: MICAL1 (microtubule associated monooxygenase, calponin and LIM domain containing 1; minus strand). Cytogenetic location: 6q21.
Variant type: single nucleotide variant.
Coding change: c.851T>C on transcript NM_022765.4 (MANE Select); coding-DNA position 851, T replaced by C.
Protein change: p.Ile284Thr; replaces isoleucine 284 with threonine.
Molecular consequence: missense variant.
Genome position (GRCh38, 1-based): chr6:109,451,682, A>G on the plus strand (T>C on the coding strand, the complement: MICAL1 is on the minus strand). VCF-style: chr6-109451682-A-G. GRCh37 (hg19) VCF-style: chr6-109772885-A-G.
Other names: c.851T>C (NM_022765.3); c.851T>C, p.Ile284Thr (NM_001159291.2); c.908T>C, p.Ile303Thr (NM_001286613.2); short protein forms I284T, I303T.
Identifiers: ClinVar variation 3612898 (VCV003612898.3).